The following is an entry in ClinVar:

ClinVar aggregate classification (germline): Uncertain significance (1 of 4 stars; one submission).

Conditions:
BAP1-related tumor predisposition syndrome (TPDS1). Also called: Tumor susceptibility linked to germline BAP1 mutations; COMMON Syndrome; TUMOR PREDISPOSITION SYNDROME 1; BAP1 tumor predisposition syndrome. Identifiers: Orphanet 289539, MedGen C3280492, MONDO:0013692, OMIM 614327.

Submission:

Labcorp Genetics (formerly Invitae), Labcorp
Classification: Uncertain significance for BAP1-related tumor predisposition syndrome. Last evaluated: 2023-02-21. Review status: criteria provided, single submitter. Criteria: Invitae Variant Classification Sherloc (09022015). Collection method: clinical testing. Allele origin: germline.
Comment: This sequence change replaces glutamic acid, which is acidic and polar, with glutamine, which is neutral and polar, at codon 30 of the BAP1 protein (p.Glu30Gln). This variant is not present in population databases (gnomAD no frequency). This variant has not been reported in the literature in individuals affected with BAP1-related conditions. Advanced modeling of protein sequence and biophysical properties (such as structural, functional, and spatial information, amino acid conservation, physicochemical variation, residue mobility, and thermodynamic stability) performed at Invitae indicates that this missense variant is expected to disrupt BAP1 protein function. In summary, the available evidence is currently insufficient to determine the role of this variant in disease. Therefore, it has been classified as a Variant of Uncertain Significance.

NM_004656.4(BAP1):c.88G>C (p.Glu30Gln)

Gene: BAP1 (BRCA1 associated deubiquitinase 1; minus strand). Cytogenetic location: 3p21.1.
Variant type: single nucleotide variant.
Coding change: c.88G>C on transcript NM_004656.4 (MANE Select); coding-DNA position 88, G replaced by C.
Protein change: p.Glu30Gln; replaces glutamic acid 30 with glutamine.
Molecular consequence: missense variant.
Genome position (GRCh38, 1-based): chr3:52,409,588, C>G on the plus strand (G>C on the coding strand, the complement: BAP1 is on the minus strand). VCF-style: chr3-52409588-C-G. GRCh37 (hg19) VCF-style: chr3-52443604-C-G.
Other names: c.88G>C, p.Glu30Gln (NM_001410772.1); short protein forms E30Q.
Identifiers: ClinVar variation 2839366 (VCV002839366.3), dbSNP rs1705292962, ClinGen allele CA353114668.
Genomic context (GRCh38, chr3:52,409,588, plus strand): 5'-GGCAGCCCTGGTGTACAGCCACTCACCCCTGACATTTGCTCTGAAGGTCGTAGATCTCCT[C>G]CACTTGCACCCCCTTGACACCTGCGATGAGGAAAGGAAAGCAGTAGGGAAGGACAGCCCC-3'
Protein context (NP_004647.1, residues 20-40): EDFGVKGVQV[Glu30Gln]EIYDLQSKCQ